The following is an entry in ClinVar:

NM_000059.4(BRCA2):c.8486A>C (p.Gln2829Pro)

Gene: BRCA2 (BRCA2 DNA repair associated; plus strand). Cytogenetic location: 13q13.1.
Variant type: single nucleotide variant.
Coding change: c.8486A>C on transcript NM_000059.4 (MANE Select); coding-DNA position 8486, A replaced by C.
Protein change: p.Gln2829Pro; replaces glutamine 2829 with proline.
Molecular consequence: missense variant.
Genome position (GRCh38, 1-based): chr13:32,370,556, A>C. VCF-style: chr13-32370556-A-C. GRCh37 (hg19) VCF-style: chr13-32944693-A-C.
Other names: c.8486A>C (NM_000059.3); short protein forms Q2829P.
Identifiers: ClinVar variation 1484629 (VCV001484629.7), dbSNP rs80359100, ClinGen allele CA387752646.

ClinVar aggregate classification (germline): Likely pathogenic. Review status: criteria provided, multiple submitters, no conflicts (2 of 4 stars). 2 submissions from 2 submitters: Likely pathogenic (2). Last evaluated 2026-01-26.

Conditions:
Hereditary breast ovarian cancer syndrome. Also called: Hereditary breast and/or ovarian cancer syndrome; Hereditary breast and ovarian cancer syndrome (HBOC); Breast and ovarian cancer; Hereditary breast and ovarian cancer; Hereditary breast and ovarian cancer syndrome; BRCA1- and BRCA2-Associated Hereditary Breast and Ovarian Cancer. Identifiers: Orphanet 145, MedGen C0677776, MeSH D061325, MONDO:0003582. Disease mechanism: loss of function.

Submissions (2):

Labcorp Genetics (formerly Invitae), Labcorp
Classification: Likely pathogenic for Hereditary breast ovarian cancer syndrome. Last evaluated: 2026-01-26. Review status: criteria provided, single submitter. Criteria: Invitae Variant Classification Sherloc (09022015). Collection method: clinical testing. Allele origin: germline.
Comment: This sequence change replaces glutamine, which is neutral and polar, with proline, which is neutral and non-polar, at codon 2829 of the BRCA2 protein (p.Gln2829Pro). RNA analysis indicates that this missense change induces altered splicing and likely results in a shortened protein product. This variant is not present in population databases (gnomAD no frequency). This variant has not been reported in the literature in individuals affected with BRCA2-related conditions. ClinVar contains an entry for this variant (Variation ID: 1484629). An algorithm developed to predict the effect of missense changes on protein structure and function (PolyPhen-2) suggests that this variant is likely to be disruptive. Studies have shown that this missense change results in skipping of exon 19, but is expected to preserve the integrity of the reading-frame (PMID: 22632462). This variant disrupts the p.Gly2793 amino acid residue in BRCA2. Other variant(s) that disrupt this residue have been determined to be pathogenic (PMID: 12442275, 15889636, 16030099, 23233716, 25777348). This suggests that this residue is clinically significant, and that variants that disrupt this residue are likely to be disease-causing. In summary, the currently available evidence indicates that the variant is pathogenic, but additional data are needed to prove that conclusively. Therefore, this variant has been classified as Likely Pathogenic.

Quest Diagnostics Nichols Institute San Juan Capistrano
Classification: Likely pathogenic. Last evaluated: 2024-07-01. Review status: criteria provided, single submitter. Criteria: Quest Diagnostics criteria. Collection method: clinical testing. Allele origin: unknown.
Comment: The BRCA2 c.8486A>C (p.Gln2829Pro) variant has been reported in the published literature to result in exon 19 skipping (PMID: 22632462 (2012)). Other variants that affect the same amino acid codon (BRCA2 c.8486A>G (p.Gln2829Arg) and BRCA2 c.8486A>T (p.Gln2829Leu)) have been reported to also result in BRCA2 exon 19 skipping (PMID: 33875706 (2021), 25382762 (2015)). This variant has not been reported in large, multi-ethnic general populations (Genome Aggregation Database). Analysis of this variant using bioinformatics tools for the prediction of the effect of amino acid changes on protein structure and function yielded predictions that this variant is damaging. Based on the available information, this variant is classified as likely pathogenic.

Literature cited by the submitters: PubMed 22632462 (cited by Labcorp Genetics (formerly Invitae), Labcorp and Quest Diagnostics Nichols Institute San Juan Capistrano); PubMed 12442275 (cited by Labcorp Genetics (formerly Invitae), Labcorp); PubMed 15889636 (cited by Labcorp Genetics (formerly Invitae), Labcorp); PubMed 16030099 (cited by Labcorp Genetics (formerly Invitae), Labcorp); PubMed 23233716 (cited by Labcorp Genetics (formerly Invitae), Labcorp); PubMed 25777348 (cited by Labcorp Genetics (formerly Invitae), Labcorp); PubMed 33875706 (cited by Quest Diagnostics Nichols Institute San Juan Capistrano); PubMed 25382762 (cited by Quest Diagnostics Nichols Institute San Juan Capistrano).